The following is an entry in ClinVar:

ClinVar aggregate classification (germline): Uncertain significance. Review status: criteria provided, multiple submitters, no conflicts (2 of 4 stars). 4 submissions from 4 submitters: Uncertain significance (4). Last evaluated 2024-04-01.

Conditions:
Classic or attenuated familial adenomatous polyposis. Identifiers: MedGen CN372698, MONDO:0021057.
Hereditary cancer-predisposing syndrome. Also called: Tumor predisposition; Hereditary neoplastic syndrome; Neoplastic Syndromes, Hereditary; Hereditary Cancer Syndrome. Identifiers: Orphanet 140162, MedGen C0027672, MeSH D009386, MONDO:0015356.
Familial adenomatous polyposis 1 (FAP1). Also called: FAMILIAL ADENOMATOUS POLYPOSIS 1, ATTENUATED; POLYPOSIS, ADENOMATOUS INTESTINAL. Identifiers: MedGen C2713442, MONDO:0021056, OMIM 175100. Disease mechanism: loss of function.

Allele frequency attached by ClinVar (database versions not stated): TOPMed below 0.00001.

Submissions (4):

Ambry Genetics
Classification: Uncertain significance for Hereditary cancer-predisposing syndrome. Last evaluated: 2024-04-01. Review status: criteria provided, single submitter. Criteria: Ambry Variant Classification Scheme 2023. Collection method: clinical testing. Allele origin: germline.
Comment: The p.M2230L variant (also known as c.6688A>T), located in coding exon 15 of the APC gene, results from an A to T substitution at nucleotide position 6688. The methionine at codon 2230 is replaced by leucine, an amino acid with highly similar properties. This amino acid position is conserved. In addition, in silico predictors for this gene do not accurately predict pathogenicity. Based on the available evidence, the clinical significance of this alteration remains unclear.

Baylor Genetics
Classification: Uncertain significance for Familial adenomatous polyposis 1. Last evaluated: 2024-03-08. Review status: criteria provided, single submitter. Criteria: ACMG Guidelines, 2015. Collection method: clinical testing. Allele origin: unknown.

All of Us Research Program, National Institutes of Health
Classification: Uncertain significance for Classic or attenuated familial adenomatous polyposis. Last evaluated: 2024-01-11. Review status: criteria provided, single submitter. Criteria: ACMG Guidelines, 2015. Collection method: clinical testing. Allele origin: germline. Inheritance: Autosomal dominant inheritance. Observed: 1 variant allele, 1 heterozygote.
Comment: This study involves interpretation of variants in research participants for the purpose of population health screening. Participant phenotype was not available at the time of variant classification. Additional details can be found in publication PMID: 35346344, PMCID: PMC8962531

Labcorp Genetics (formerly Invitae), Labcorp
Classification: Uncertain significance for Familial adenomatous polyposis 1. Last evaluated: 2023-01-28. Review status: criteria provided, single submitter. Criteria: Invitae Variant Classification Sherloc (09022015). Collection method: clinical testing. Allele origin: germline.
Comment: This sequence change replaces methionine, which is neutral and non-polar, with leucine, which is neutral and non-polar, at codon 2230 of the APC protein (p.Met2230Leu). This variant is not present in population databases (gnomAD no frequency). This variant has not been reported in the literature in individuals affected with APC-related conditions. Advanced modeling of protein sequence and biophysical properties (such as structural, functional, and spatial information, amino acid conservation, physicochemical variation, residue mobility, and thermodynamic stability) performed at Invitae indicates that this missense variant is not expected to disrupt APC protein function. In summary, the available evidence is currently insufficient to determine the role of this variant in disease. Therefore, it has been classified as a Variant of Uncertain Significance.

NM_000038.6(APC):c.6688A>T (p.Met2230Leu)

Gene: APC (APC regulator of Wnt signaling pathway; plus strand). Cytogenetic location: 5q22.2.
Variant type: single nucleotide variant.
Coding change: c.6688A>T on transcript NM_000038.6 (MANE Select); coding-DNA position 6688, A replaced by T.
Protein change: p.Met2230Leu; replaces methionine 2230 with leucine.
Molecular consequence: missense variant.
Genome position (GRCh38, 1-based): chr5:112,842,282, A>T. VCF-style: chr5-112842282-A-T. GRCh37 (hg19) VCF-style: chr5-112177979-A-T.
Other names: c.6742A>T, p.Met2248Leu (NM_001407448.1, NM_001407449.1, NM_001354896.2 and 1 more transcripts); c.6688A>T, p.Met2230Leu (NM_001407450.1, NM_001127510.3, NM_001354895.2); c.6667A>T, p.Met2223Leu (NM_001407451.1); c.6658A>T, p.Met2220Leu (NM_001407452.1); c.6511A>T, p.Met2171Leu (NM_001407453.1, NM_001354901.2); c.6439A>T, p.Met2147Leu (NM_001407454.1, NM_001407455.1, NM_001407456.1 and 1 more transcripts); c.6385A>T, p.Met2129Leu (NM_001407458.1, NM_001407459.1, NM_001407460.1 and 1 more transcripts); c.6301A>T, p.Met2101Leu (NM_001407467.1, NM_001407469.1); and 12 more; short protein forms M1846L, M1947L, M2070L, M2104L, M2202L, M2223L, M2240L, M2139L.
Identifiers: ClinVar variation 2172929 (VCV002172929.7), dbSNP rs751547785, ClinGen allele CA16035951.
Genomic context (GRCh38, chr5:112,842,282, plus strand): 5'-TCAGGCCAAATGAAACAGCCCCTTCAAGCAAACATGCCTTCAATCTCTCGAGGCAGGACA[A>T]TGATTCATATTCCAGGAGTTCGAAATAGCTCCTCAAGTACAAGTCCTGTTTCTAAAAAAG-3'
Protein context (NP_000029.2, residues 2220-2240): NMPSISRGRT[Met2230Leu]IHIPGVRNSS